The following is an entry in ClinVar:

ClinVar aggregate classification (germline): Uncertain significance (1 of 4 stars; one submission).

Submission:

Ambry Genetics
Classification: Uncertain significance. Last evaluated: 2025-08-01. Review status: criteria provided, single submitter. Criteria: Ambry Variant Classification Scheme 2023. Collection method: clinical testing. Allele origin: germline.
Comment: The p.L1274P variant (also known as c.3821T>C), located in coding exon 7 of the MLH3 gene, results from a T to C substitution at nucleotide position 3821. The leucine at codon 1274 is replaced by proline, an amino acid with similar properties. This amino acid position is conserved. In addition, this alteration is predicted to be deleterious by in silico analysis. Based on the available evidence, the clinical significance of this variant remains unclear.

NM_001040108.2(MLH3):c.3821T>C (p.Leu1274Pro)

Gene: MLH3 (mutL homolog 3; minus strand). Cytogenetic location: 14q24.3.
Variant type: single nucleotide variant.
Coding change: c.3821T>C on transcript NM_001040108.2 (MANE Select); coding-DNA position 3821, T replaced by C.
Protein change: p.Leu1274Pro; replaces leucine 1274 with proline.
Molecular consequence: missense variant.
Genome position (GRCh38, 1-based): chr14:75,032,074, A>G on the plus strand (T>C on the coding strand, the complement: MLH3 is on the minus strand). VCF-style: chr14-75032074-A-G. GRCh37 (hg19) VCF-style: chr14-75498777-A-G.
Other names: c.3749T>C, p.Leu1250Pro (NM_014381.3); short protein forms L1250P, L1274P.
Identifiers: ClinVar variation 4108651 (VCV004108651.1).